The following is an entry in ClinVar:

NM_145239.3(PRRT2):c.436C>A (p.Pro146Thr)

Genes: MVP-DT (MVP divergent transcript; minus strand), PRRT2 (proline rich transmembrane protein 2; plus strand). Cytogenetic location: 16p11.2.
Variant type: single nucleotide variant.
Coding change: c.436C>A on transcript NM_145239.3 (MANE Select); coding-DNA position 436, C replaced by A.
Protein change: p.Pro146Thr; replaces proline 146 with threonine.
Molecular consequence: missense variant.
Genome position (GRCh38, 1-based): chr16:29,813,490, C>A. VCF-style: chr16-29813490-C-A. GRCh37 (hg19) VCF-style: chr16-29824811-C-A.
Other names: c.436C>A, p.Pro146Thr (NM_001256442.2, NM_001256443.2); c.436C>A (NM_145239.2); short protein forms P146T.
Identifiers: ClinVar variation 1342554 (VCV001342554.9), dbSNP rs1900084663, ClinGen allele CA395478680.
Genomic context (GRCh38, chr16:29,813,490, plus strand): 5'-CTGGAGTCTGCAGCCCCACCTGAACCAGCCCCAGAGCCTGCTCCCCAACCAGACCCCCGG[C>A]CAGATTCCCAGCCTACCCCCAAGCCAGCCCTTCAACCAGAGCTCCCTACCCAGGAGGACC-3'
Protein context (NP_660282.2, residues 136-156): PEPAPQPDPR[Pro146Thr]DSQPTPKPAL

ClinVar aggregate classification (germline): Uncertain significance. Review status: criteria provided, multiple submitters, no conflicts (2 of 4 stars). 3 submissions from 3 submitters: Uncertain significance (3). Last evaluated 2025-12-15.

Conditions:
Episodic kinesigenic dyskinesia (EKD). Also called: Paroxysmal kinesigenic dyskinesia. Identifiers: Orphanet 98809, MedGen C1868682, MONDO:0044202.
Infantile convulsions and choreoathetosis (ICCA). Also called: PRRT2-Related Paroxysmal Kinesigenic Dyskinesia with Infantile Convulsions (PKD/IC); PAROXYSMAL KINESIGENIC DYSKINESIA WITH INFANTILE CONVULSIONS. Identifiers: Orphanet 31709, MedGen C1865926, MONDO:0011178, OMIM 602066.
Seizures, benign familial infantile, 2 (BFIS2). Also called: CONVULSIONS, BENIGN FAMILIAL INFANTILE, 2. Identifiers: Orphanet 306, MedGen C1853995, MONDO:0011593, OMIM 605751.
Episodic kinesigenic dyskinesia 1 (EKD1). Also called: DYSTONIA, FAMILIAL PAROXYSMAL; PxMD-PRRT2; PAROXYSMAL KINESIGENIC CHOREOATHETOSIS; Dystonia 10; PRRT2-Related Paroxysmal Kinesigenic Dyskinesia (PKD). Identifiers: Orphanet 98809, MedGen C4552000, MONDO:0100352, OMIM 128200, MONDO:0007494.

Allele frequency attached by ClinVar (database versions not stated): TOPMed below 0.00001.

Submissions (3):

Labcorp Genetics (formerly Invitae), Labcorp
Classification: Uncertain significance for Episodic kinesigenic dyskinesia. Last evaluated: 2025-12-15. Review status: criteria provided, single submitter. Criteria: Invitae Variant Classification Sherloc (09022015). Collection method: clinical testing. Allele origin: germline.
Comment: This sequence change replaces proline, which is neutral and non-polar, with threonine, which is neutral and polar, at codon 146 of the PRRT2 protein (p.Pro146Thr). This variant is not present in population databases (gnomAD no frequency). This variant has not been reported in the literature in individuals affected with PRRT2-related conditions. ClinVar contains an entry for this variant (Variation ID: 1342554). Invitae Evidence Modeling of protein sequence and biophysical properties (such as structural, functional, and spatial information, amino acid conservation, physicochemical variation, residue mobility, and thermodynamic stability) indicates that this missense variant is not expected to disrupt PRRT2 protein function with a negative predictive value of 95%. In summary, the available evidence is currently insufficient to determine the role of this variant in disease. Therefore, it has been classified as a Variant of Uncertain Significance.

GeneDx
Classification: Uncertain significance. Last evaluated: 2023-06-07. Review status: criteria provided, single submitter. Criteria: GeneDx Variant Classification Process June 2021. Collection method: clinical testing. Allele origin: germline. Affected: yes.
Comment: Not observed at significant frequency in large population cohorts (gnomAD); In silico analysis supports that this missense variant does not alter protein structure/function; Has not been previously published as pathogenic or benign to our knowledge; This variant is associated with the following publications: (PMID: 29132464)

New York Genome Center
Classification: Uncertain significance for Seizures, benign familial infantile, 2; Infantile convulsions and choreoathetosis; Episodic kinesigenic dyskinesia 1. Last evaluated: 2021-04-16. Review status: criteria provided, single submitter. Criteria: NYGC Assertion Criteria 2020. Collection method: clinical testing. Allele origin: inherited. Observed: 1 heterozygote. Study: CSER-NYCKidSeq.
Comment: The inherited heterozygous c.436C>A (p.Pro146Thr) variant identified in the PRRT2 gene has not been reported in affected individuals in the literature. The variant is absent from the gnomAD(v3) database suggesting it is not a common benign variant in the populations represented in that database. The affected residue is moderately conserved. In silico tools provide conflicting predictions about potential pathogenicity of this variant. Based on the available evidence, the inherited heterozygous c.436C>A (p.Pro146Thr) variant identified in the PRRT2 gene is reported as a variant of uncertain significance.